The following is an entry in ClinVar:

ClinVar aggregate classification (germline): Uncertain significance (1 of 4 stars; one submission).

gnomAD v4.1: 19 of 1,530,650 alleles (0.0012%); highest among the groups gnomAD compares: Non-Finnish European, 0.0015%; no homozygotes.

Submission:

Women's Health and Genetics/Laboratory Corporation of America, LabCorp
Classification: Uncertain significance. Last evaluated: 2025-09-12. Review status: criteria provided, single submitter. Criteria: LabCorp Variant Classification Summary - May 2015. Collection method: clinical testing. Allele origin: germline.
Comment: Variant summary: FAM149B1 c.1128-2A>G is located in a canonical splice-site and is predicted to affect mRNA splicing resulting in a significantly altered protein due to either exon skipping, shortening, or inclusion of intronic material. Variants that disrupt the consensus splice site are a relatively common cause of aberrant splicing, however current evidence is not sufficient to establish loss of function as a mechanism for disease. Several computational tools predict a significant impact on normal splicing: Three predict the variant abolishes a 3' acceptor site. However, these predictions have yet to be confirmed by functional studies. The variant allele was found at a frequency of 2.5e-05 in 158488 control chromosomes, predominantly at a frequency of 6.5e-05 within the Non-Finnish European subpopulation in the gnomAD database. The available data on variant occurrences in the general population are insufficient to allow any conclusion about variant significance. To our knowledge, no occurrence of c.1128-2A>G in individuals affected with FAM149B1-related conditions and no experimental evidence demonstrating its impact on protein function have been reported. ClinVar contains an entry for this variant (Variation ID: 3233977). Based on the evidence outlined above, the variant was classified as uncertain significance.

NM_173348.2(FAM149B1):c.1128-2A>G

Genes: DNAJC9 (DnaJ heat shock protein family (Hsp40) member C9; minus strand), FAM149B1 (family with sequence similarity 149 member B1; plus strand). Cytogenetic location: 10q22.2.
Variant type: single nucleotide variant.
Coding change: c.1128-2A>G on transcript NM_173348.2 (MANE Select); the canonical splice acceptor site of the intron before coding-DNA position 1128, A replaced by G.
Molecular consequence: splice acceptor variant.
Genome position (GRCh38, 1-based): chr10:73,232,937, A>G. VCF-style: chr10-73232937-A-G. GRCh37 (hg19) VCF-style: chr10-74992695-A-G.
Identifiers: ClinVar variation 3233977 (VCV003233977.3), dbSNP rs1156661406, ClinGen allele CA377197573.